The following is an entry in ClinVar:

ClinVar aggregate classification (germline): Likely pathogenic (1 of 4 stars; one submission).

Conditions:
Autosomal recessive limb-girdle muscular dystrophy type 2J (LGMDR10). Also called: Limb-girdle muscular dystrophy, type 2J; MUSCULAR DYSTROPHY, LIMB-GIRDLE, AUTOSOMAL RECESSIVE 10. Identifiers: Orphanet 140922, MedGen C1837342, MONDO:0012127, OMIM 608807.
Dilated cardiomyopathy 1G (CMD1G). Identifiers: Orphanet 154, MedGen C1858763, MONDO:0011400, OMIM 604145.

Submission:

Labcorp Genetics (formerly Invitae), Labcorp
Classification: Likely pathogenic for Dilated cardiomyopathy 1G; Autosomal recessive limb-girdle muscular dystrophy type 2J. Last evaluated: 2022-11-12. Review status: criteria provided, single submitter. Criteria: Invitae Variant Classification Sherloc (09022015). Collection method: clinical testing. Allele origin: germline.
Comment: This sequence change creates a premature translational stop signal (p.Leu25583*) in the TTN gene. While this is not anticipated to result in nonsense mediated decay, it is expected to create a truncated TTN protein. This variant is not present in population databases (gnomAD no frequency). This variant has not been reported in the literature in individuals affected with TTN-related conditions. This variant is located in the A band of TTN (PMID: 25589632). Truncating variants in this region are significantly overrepresented in patients affected with dilated cardiomyopathy (PMID: 25589632). Truncating variants in this region have also been reported in individuals affected with autosomal recessive centronuclear myopathy (PMID: 23975875). In summary, the currently available evidence indicates that the variant is pathogenic, but additional data are needed to prove that conclusively. Therefore, this variant has been classified as Likely Pathogenic.

Literature cited by the submitters: PubMed 25589632; PubMed 23975875.

NM_001267550.2(TTN):c.76748del (p.Thr25582_Leu25583insTer)

Genes: TTN (titin; minus strand), TTN-AS1 (TTN antisense RNA 1; plus strand). Cytogenetic location: 2q31.2.
Variant type: Deletion.
Coding change: c.76748del on transcript NM_001267550.2 (MANE Select); coding-DNA position 76748, one base deleted (T; older notation c.76748delT).
Protein change: p.Thr25582_Leu25583insTer.
Molecular consequence: nonsense.
Genome position (GRCh38, 1-based): chr2:178,569,384, A deleted on the plus strand (T on the coding strand, the reverse complement: TTN is on the minus strand); the first of 2 consecutive A bases (chr2:178,569,384-178,569,385); deleting either gives the same sequence. VCF-style (leftmost placement, unchanged base first): chr2-178569383-TA-T. GRCh37 (hg19) VCF-style: chr2-179434110-TA-T.
Other names: c.71825del, p.Thr23941_Leu23942insTer (NM_001256850.1); c.49553del, p.Thr16517_Leu16518insTer (NM_003319.4); c.69044del, p.Thr23014_Leu23015insTer (NM_133378.4); c.49928del, p.Thr16642_Leu16643insTer (NM_133432.3); c.50129del, p.Thr16709_Leu16710insTer (NM_133437.4).
Identifiers: ClinVar variation 2016449 (VCV002016449.4), dbSNP rs2468403836, ClinGen allele CA2580064830.